The following is an entry in ClinVar:

NM_000388.4(CASR):c.1018A>G (p.Arg340Gly)

Gene: CASR (calcium sensing receptor; plus strand). Cytogenetic location: 3q21.1.
Variant type: single nucleotide variant.
Coding change: c.1018A>G on transcript NM_000388.4 (MANE Select); coding-DNA position 1018, A replaced by G.
Protein change: p.Arg340Gly; replaces arginine 340 with glycine.
Molecular consequence: missense variant.
Genome position (GRCh38, 1-based): chr3:122,262,053, A>G. VCF-style: chr3-122262053-A-G. GRCh37 (hg19) VCF-style: chr3-121980900-A-G.
Other names: c.1018A>G, p.Arg340Gly (NM_001178065.2); short protein forms R340G.
Identifiers: ClinVar variation 410341 (VCV000410341.10), dbSNP rs1060502853, ClinGen allele CA16611089.

ClinVar aggregate classification (germline): Uncertain significance (1 of 4 stars; one submission).

Conditions:
Autosomal dominant hypocalcemia 1 (HYPOC1). Also called: HYPOCALCEMIA, FAMILIAL. Identifiers: MedGen C3715128, MONDO:0011013, OMIM 601198.
Familial hypocalciuric hypercalcemia (FHH). Also called: Familial benign hypercalcemia. Identifiers: Orphanet 405, MedGen C1809471, MONDO:0018458.

Allele frequency attached by ClinVar (database versions not stated): gnomAD exomes below 0.00001.

Submission:

Labcorp Genetics (formerly Invitae), Labcorp
Classification: Uncertain significance for Familial hypocalciuric hypercalcemia; Autosomal dominant hypocalcemia 1. Last evaluated: 2025-02-11. Review status: criteria provided, single submitter. Criteria: Invitae Variant Classification Sherloc (09022015). Collection method: clinical testing. Allele origin: germline.
Comment: This sequence change replaces arginine, which is basic and polar, with glycine, which is neutral and non-polar, at codon 340 of the CASR protein (p.Arg340Gly). This variant is not present in population databases (gnomAD no frequency). This variant has not been reported in the literature in individuals affected with CASR-related conditions. ClinVar contains an entry for this variant (Variation ID: 410341). An algorithm developed to predict the effect of missense changes on protein structure and function (PolyPhen-2) suggests that this variant is likely to be tolerated. In summary, the available evidence is currently insufficient to determine the role of this variant in disease. Therefore, it has been classified as a Variant of Uncertain Significance.